The following is an entry in ClinVar:

NM_022552.5(DNMT3A):c.1344C>T (p.Tyr448=)

Gene: DNMT3A (DNA methyltransferase 3 alpha; minus strand). Cytogenetic location: 2p23.3.
Variant type: single nucleotide variant.
Coding change: c.1344C>T on transcript NM_022552.5 (MANE Select); coding-DNA position 1344, C replaced by T.
Protein change: p.Tyr448=; no amino-acid change (tyrosine 448 retained).
Molecular consequence: synonymous variant. On other transcripts: non-coding transcript variant (1).
Genome position (GRCh38, 1-based): chr2:25,246,245, G>A on the plus strand (C>T on the coding strand, the complement: DNMT3A is on the minus strand). VCF-style: chr2-25246245-G-A. GRCh37 (hg19) VCF-style: chr2-25469114-G-A.
Other names: c.888C>T, p.Tyr296= (NM_001320893.1); c.675C>T, p.Tyr225= (NM_001375819.1); c.777C>T, p.Tyr259= (NM_153759.3); c.1344C>T, p.Tyr448= (NM_175629.2); c.1344C>T (NM_022552.3).
Identifiers: ClinVar variation 1186740 (VCV001186740.10), dbSNP rs137931376, ClinGen allele CA1556062.
Genomic context (GRCh38, chr2:25,246,245, plus strand): 5'-CTTGACCTTGGGCTTCTCCGCTGTGCTCTTCCGGGGCTTTTTGGCTGGTGGAGGTGGTGC[G>A]TAGGCAGCTGCCTCAGGTTCCACCCACATGTCCGTGTACACTTCTTTGTAGGGATTCTTC-3'
Protein context (NP_072046.2, residues 438-458): DMWVEPEAAA[Tyr448=]APPPPAKKPR

ClinVar aggregate classification (germline): Likely benign. Review status: criteria provided, multiple submitters, no conflicts (2 of 4 stars). 4 submissions from 4 submitters: Likely benign (3). 1 of the submissions does not count toward it. Last evaluated 2026-01-05.

Conditions:
DNMT3A-related disorder. Also called: DNMT3A-related disorders; DNMT3A-related condition.
Tatton-Brown-Rahman overgrowth syndrome. Also called: Tatton-Brown-Rahman syndrome; Tall stature-intellectual disability-facial dysmorphism syndrome. Identifiers: Orphanet 404443, MedGen C4014545, MONDO:0014382, OMIM 615879.
Inborn genetic diseases. Identifiers: MedGen C0950123, MeSH D030342.

Allele frequency attached by ClinVar (database versions not stated): gnomAD exomes 0.00002 and 0.00007; ExAC 0.00006; TOPMed 0.00017; 1000 Genomes Project 0.00020; ESP Exome Variant Server 0.00008; 1000 Genomes Project 30x 0.00016.
gnomAD v4.1: 53 of 1,614,108 alleles (0.0033%); highest among the groups gnomAD compares: African/African-American, 0.041%; no homozygotes.

Submissions (4):

Labcorp Genetics (formerly Invitae), Labcorp
Classification: Likely benign for Tatton-Brown-Rahman overgrowth syndrome. Last evaluated: 2026-01-05. Review status: criteria provided, single submitter. Criteria: Invitae Variant Classification Sherloc (09022015). Collection method: clinical testing. Allele origin: germline.

Ambry Genetics
Classification: Likely benign for Inborn genetic diseases. Last evaluated: 2024-10-15. Review status: criteria provided, single submitter. Criteria: Ambry Variant Classification Scheme 2023. Collection method: clinical testing. Allele origin: germline.

GeneDx
Classification: Likely benign. Last evaluated: 2021-06-08. Review status: criteria provided, single submitter. Criteria: GeneDx Variant Classification Process June 2021. Collection method: clinical testing. Allele origin: germline. Affected: yes.

PreventionGenetics, part of Exact Sciences
Classification: Likely benign for DNMT3A-related condition. Last evaluated: 2020-01-20. Review status: no assertion criteria provided. Collection method: clinical testing. Allele origin: germline. Not counted in ClinVar's aggregate classification.
Comment: This variant is classified as likely benign based on ACMG/AMP sequence variant interpretation guidelines (Richards et al. 2015 PMID: 25741868, with internal and published modifications).